The following is an entry in ClinVar:

ClinVar aggregate classification (germline): Uncertain significance (1 of 4 stars; one submission).

Submission:

Labcorp Genetics (formerly Invitae), Labcorp
Classification: Uncertain significance. Last evaluated: 2022-08-02. Review status: criteria provided, single submitter. Criteria: Invitae Variant Classification Sherloc (09022015). Collection method: clinical testing. Allele origin: germline.
Comment: In summary, the available evidence is currently insufficient to determine the role of this variant in disease. Therefore, it has been classified as a Variant of Uncertain Significance. Algorithms developed to predict the effect of missense changes on protein structure and function are either unavailable or do not agree on the potential impact of this missense change (SIFT: "Deleterious"; PolyPhen-2: "Probably Damaging"; Align-GVGD: "Class C0"). This variant has not been reported in the literature in individuals affected with MACF1-related conditions. This variant is not present in population databases (gnomAD no frequency). This sequence change replaces aspartic acid, which is acidic and polar, with asparagine, which is neutral and polar, at codon 3553 of the MACF1 protein (p.Asp3553Asn).

NM_001394062.1(MACF1):c.16843G>A (p.Asp5615Asn)

Gene: MACF1 (microtubule actin crosslinking factor 1; plus strand). Cytogenetic location: 1p34.3.
Variant type: single nucleotide variant.
Coding change: c.16843G>A on transcript NM_001394062.1 (MANE Select); coding-DNA position 16843, G replaced by A.
Protein change: p.Asp5615Asn; replaces aspartic acid 5615 with asparagine.
Molecular consequence: missense variant.
Genome position (GRCh38, 1-based): chr1:39,429,281, G>A. VCF-style: chr1-39429281-G-A. GRCh37 (hg19) VCF-style: chr1-39894953-G-A.
Other names: c.4912G>A, p.Asp1638Asn (NM_001397473.1); c.10657G>A, p.Asp3553Asn (NM_012090.5); short protein forms D3553N, D1638N, D5615N.
Identifiers: ClinVar variation 2117265 (VCV002117265.4), dbSNP rs2523048372, ClinGen allele CA339798806.